The following is an entry in ClinVar:

NM_032043.3(BRIP1):c.3426A>G (p.Thr1142=)

Gene: BRIP1 (BRCA1 interacting DNA helicase 1; minus strand). Cytogenetic location: 17q23.2.
Variant type: single nucleotide variant.
Coding change: c.3426A>G on transcript NM_032043.3 (MANE Select); coding-DNA position 3426, A replaced by G.
Protein change: p.Thr1142=; no amino-acid change (threonine 1142 retained).
Molecular consequence: synonymous variant.
Genome position (GRCh38, 1-based): chr17:61,683,620, T>C on the plus strand (A>G on the coding strand, the complement: BRIP1 is on the minus strand). VCF-style: chr17-61683620-T-C. GRCh37 (hg19) VCF-style: chr17-59760981-T-C.
Identifiers: ClinVar variation 1731306 (VCV001731306.6), dbSNP rs1001691659, ClinGen allele CA501335028.
Genomic context (GRCh38, chr17:61,683,620, plus strand): 5'-TGAATTGTTAGCCAATCTATTTCCTCTATCAGTTTCAGCTAGGTCATTTTTTTCTTCATC[T>C]GTATCTTCAGGATCATAAAGTTCAGGTGTAAAATAGATAGATTCATCTTCTGCTTCTGTT-3'
Protein context (NP_114432.2, residues 1132-1152): FTPELYDPED[Thr1142=]DEEKNDLAET

ClinVar aggregate classification (germline): Benign/Likely benign. Review status: criteria provided, multiple submitters, no conflicts (2 of 4 stars). 3 submissions from 3 submitters: Benign (1); Likely benign (2). Last evaluated 2024-09-10.

Conditions:
Familial cancer of breast. Also called: BREAST CANCER, FAMILIAL; Hereditary breast cancer; hereditary breast carcinoma. Identifiers: Orphanet 227535, MedGen C0346153, MONDO:0016419, OMIM 114480. Disease mechanism: loss of function.
Fanconi anemia complementation group J. Also called: BRIP1-Related Fanconi Anemia. Identifiers: Orphanet 84, MedGen C1836860, MONDO:0012187, OMIM 609054.
Hereditary cancer-predisposing syndrome. Also called: Neoplastic Syndromes, Hereditary; Tumor predisposition; Hereditary Cancer Syndrome; Hereditary neoplastic syndrome. Identifiers: Orphanet 140162, MedGen C0027672, MeSH D009386, MONDO:0015356.

Submissions (3):

Myriad Genetics, Inc.
Classification: Benign for Familial cancer of breast. Last evaluated: 2024-09-10. Review status: criteria provided, single submitter. Criteria: Myriad Autosomal Dominant, Autosomal Recessive and X-Linked Classification Criteria (2023). Collection method: clinical testing. Allele origin: unknown.
Comment: This variant is considered benign. This variant is a silent/synonymous amino acid change and it is not expected to impact splicing.

Labcorp Genetics (formerly Invitae), Labcorp
Classification: Likely benign for Familial cancer of breast; Fanconi anemia complementation group J. Last evaluated: 2023-04-19. Review status: criteria provided, single submitter. Criteria: Invitae Variant Classification Sherloc (09022015). Collection method: clinical testing. Allele origin: germline.

Ambry Genetics
Classification: Likely benign for Hereditary cancer-predisposing syndrome. Last evaluated: 2022-09-30. Review status: criteria provided, single submitter. Criteria: Ambry Variant Classification Scheme 2023. Collection method: clinical testing. Allele origin: germline.